The following is an entry in ClinVar:

NM_133267.3(GSX2):c.525C>T (p.Ala175=)

Gene: GSX2 (GS homeobox 2; plus strand). Cytogenetic location: 4q12.
Variant type: single nucleotide variant.
Coding change: c.525C>T on transcript NM_133267.3 (MANE Select); coding-DNA position 525, C replaced by T.
Protein change: p.Ala175=; no amino-acid change (alanine 175 retained).
Molecular consequence: synonymous variant.
Genome position (GRCh38, 1-based): chr4:54,100,869, C>T. VCF-style: chr4-54100869-C-T. GRCh37 (hg19) VCF-style: chr4-54967036-C-T.
Identifiers: ClinVar variation 3350423 (VCV003350423.1).

ClinVar aggregate classification (germline): Likely benign (0 of 4 stars; one submission).

Conditions:
GSX2-related disorder. Also called: GSX2-related condition.

Submission:

PreventionGenetics, part of Exact Sciences
Classification: Likely benign for GSX2-related condition. Last evaluated: 2024-08-12. Review status: no assertion criteria provided. Collection method: clinical testing. Allele origin: germline.
Comment: This variant is classified as likely benign based on ACMG/AMP sequence variant interpretation guidelines (Richards et al. 2015 PMID: 25741868, with internal and published modifications).